The following is an entry in ClinVar:

NM_001378454.1(ALMS1):c.465G>A (p.Trp155Ter)

Gene: ALMS1 (ALMS1 centrosome and basal body associated protein; plus strand). Cytogenetic location: 2p13.1.
Variant type: single nucleotide variant.
Coding change: c.465G>A on transcript NM_001378454.1 (MANE Select); coding-DNA position 465, G replaced by A.
Protein change: p.Trp155Ter; replaces tryptophan 155 with a stop codon.
Molecular consequence: nonsense.
Genome position (GRCh38, 1-based): chr2:73,419,137, G>A. VCF-style: chr2-73419137-G-A. GRCh37 (hg19) VCF-style: chr2-73646265-G-A.
Other names: c.468G>A, p.Trp156Ter (NM_015120.4); short protein forms W155*, W156*.
Identifiers: ClinVar variation 3704765 (VCV003704765.2).

ClinVar aggregate classification (germline): Pathogenic (1 of 4 stars; one submission).

Conditions:
Alstrom syndrome (ALMS). Identifiers: Orphanet 64, MedGen C0268425, MONDO:0008763, OMIM 203800.

gnomAD v4.1: 1 of 1,613,564 alleles (0.000062%); highest among the groups gnomAD compares: East Asian, 0.0022%; no homozygotes.

Submission:

Labcorp Genetics (formerly Invitae), Labcorp
Classification: Pathogenic for Alstrom syndrome. Last evaluated: 2025-03-31. Review status: criteria provided, single submitter. Criteria: Invitae Variant Classification Sherloc (09022015). Collection method: clinical testing. Allele origin: germline.
Comment: This sequence change creates a premature translational stop signal (p.Trp156*) in the ALMS1 gene. It is expected to result in an absent or disrupted protein product. Loss-of-function variants in ALMS1 are known to be pathogenic (PMID: 17594715). This variant is present in population databases (no rsID available, gnomAD 0.06%). This variant has not been reported in the literature in individuals affected with ALMS1-related conditions. For these reasons, this variant has been classified as Pathogenic.

Literature cited by the submitters: PubMed 17594715.